The following is an entry in ClinVar:

NM_000465.4(BARD1):c.468T>C (p.Tyr156=)

Gene: BARD1 (BRCA1 associated RING domain 1; minus strand). Cytogenetic location: 2q35.
Variant type: single nucleotide variant.
Coding change: c.468T>C on transcript NM_000465.4 (MANE Select); coding-DNA position 468, T replaced by C.
Protein change: p.Tyr156=; no amino-acid change (tyrosine 156 retained).
Molecular consequence: synonymous variant. On other transcripts: non-coding transcript variant (2), intron variant (3).
Genome position (GRCh38, 1-based): chr2:214,781,406, A>G on the plus strand (T>C on the coding strand, the complement: BARD1 is on the minus strand). VCF-style: chr2-214781406-A-G. GRCh37 (hg19) VCF-style: chr2-215646130-A-G.
Other names: c.411T>C, p.Tyr137= (NM_001282543.2); c.158+28006T>C (NM_001282548.2); c.215+15655T>C (NM_001282545.2); c.364+10891T>C (NM_001282549.2); c.468T>C (NM_000465.3).
Identifiers: ClinVar variation 485318 (VCV000485318.21), dbSNP rs1436038663, ClinGen allele CA431136052.

ClinVar aggregate classification (germline): Benign/Likely benign. Review status: criteria provided, multiple submitters, no conflicts (2 of 4 stars). 6 submissions from 6 submitters: Benign (1); Likely benign (5). Last evaluated 2025-11-16.

Conditions:
Familial cancer of breast. Also called: BREAST CANCER, FAMILIAL; Hereditary breast cancer; hereditary breast carcinoma. Identifiers: Orphanet 227535, MedGen C0346153, MONDO:0016419, OMIM 114480. Disease mechanism: loss of function.
Hereditary cancer-predisposing syndrome. Also called: Neoplastic Syndromes, Hereditary; Tumor predisposition; Hereditary Cancer Syndrome; Hereditary neoplastic syndrome. Identifiers: Orphanet 140162, MedGen C0027672, MeSH D009386, MONDO:0015356.

Allele frequency attached by ClinVar (database versions not stated): TOPMed below 0.00001; gnomAD 0.00001.
gnomAD v4.1: 2 of 1,613,510 alleles (0.00012%); highest among the groups gnomAD compares: Admixed American, 0.0017%; no homozygotes.

Submissions (6):

Labcorp Genetics (formerly Invitae), Labcorp
Classification: Likely benign for Familial cancer of breast. Last evaluated: 2025-11-16. Review status: criteria provided, single submitter. Criteria: Invitae Variant Classification Sherloc (09022015). Collection method: clinical testing. Allele origin: germline.

Quest Diagnostics Nichols Institute San Juan Capistrano
Classification: Likely benign. Last evaluated: 2025-10-24. Review status: criteria provided, single submitter. Criteria: Quest Diagnostics criteria. Collection method: clinical testing. Allele origin: unknown.

Women's Health and Genetics/Laboratory Corporation of America, LabCorp
Classification: Likely benign. Last evaluated: 2024-12-20. Review status: criteria provided, single submitter. Criteria: LabCorp Variant Classification Summary - May 2015. Collection method: clinical testing. Allele origin: germline.

Myriad Genetics, Inc.
Classification: Benign for Familial cancer of breast. Last evaluated: 2024-07-22. Review status: criteria provided, single submitter. Criteria: Myriad Autosomal Dominant, Autosomal Recessive and X-Linked Classification Criteria (2023). Collection method: clinical testing. Allele origin: unknown.
Comment: This variant is considered benign. This variant is a silent/synonymous amino acid change and it is not expected to impact splicing.

Ambry Genetics
Classification: Likely benign for Hereditary cancer-predisposing syndrome. Last evaluated: 2017-01-27. Review status: criteria provided, single submitter. Criteria: Ambry Variant Classification Scheme 2023. Collection method: clinical testing. Allele origin: germline.

Color Diagnostics, LLC DBA Color Health
Classification: Likely benign for Hereditary cancer-predisposing syndrome. Last evaluated: 2015-04-21. Review status: criteria provided, single submitter. Criteria: ACMG Guidelines, 2015. Collection method: clinical testing. Allele origin: germline.